The following is an entry in ClinVar:

NM_002691.4(POLD1):c.1506C>T (p.Asp502=)

Gene: POLD1 (DNA polymerase delta 1, catalytic subunit; plus strand). Cytogenetic location: 19q13.33.
Variant type: single nucleotide variant.
Coding change: c.1506C>T on transcript NM_002691.4 (MANE Select); coding-DNA position 1506, C replaced by T.
Protein change: p.Asp502=; no amino-acid change (aspartic acid 502 retained).
Molecular consequence: synonymous variant. On other transcripts: non-coding transcript variant (1).
Genome position (GRCh38, 1-based): chr19:50,406,994, C>T. VCF-style: chr19-50406994-C-T. GRCh37 (hg19) VCF-style: chr19-50910251-C-T.
Other names: c.1506C>T, p.Asp502= (NM_001256849.1, NM_001308632.1); c.1506C>T (NM_002691.3).
Identifiers: ClinVar variation 1084918 (VCV001084918.13), dbSNP rs753870010, ClinGen allele CA508183932.

ClinVar aggregate classification (germline): Benign/Likely benign. Review status: criteria provided, multiple submitters, no conflicts (2 of 4 stars). 4 submissions from 4 submitters: Benign (1); Likely benign (3). Last evaluated 2025-05-22.

Conditions:
Hereditary cancer-predisposing syndrome. Also called: Hereditary neoplastic syndrome; Neoplastic Syndromes, Hereditary; Tumor predisposition; Hereditary Cancer Syndrome. Identifiers: Orphanet 140162, MedGen C0027672, MeSH D009386, MONDO:0015356.
POLD1-related disorder. Also called: POLD1-related disorders; POLD1-related condition.
POLD1-related polyposis and colorectal cancer syndrome (CRCS10). Also called: Colorectal cancer, susceptibility to, 10; Colorectal cancer 10; COLORECTAL CANCER, SUSCEPTIBILITY TO, ON CHROMOSOME 19q. Identifiers: Orphanet 220460, MedGen C2675481, MONDO:0012953, OMIM 612591.

Submissions (4):

PreventionGenetics, part of Exact Sciences
Classification: Likely benign for POLD1-related condition. Last evaluated: 2025-05-22. Review status: criteria provided, single submitter. Criteria: ACMG Guidelines, 2015. Collection method: clinical testing. Allele origin: germline.
Comment: This variant is classified as likely benign based on ACMG/AMP sequence variant interpretation guidelines (Richards et al. 2015 PMID: 25741868, with internal and published modifications).

Myriad Genetics, Inc.
Classification: Benign for POLD1-related polyposis and colorectal cancer syndrome. Last evaluated: 2025-02-06. Review status: criteria provided, single submitter. Criteria: Myriad Autosomal Dominant, Autosomal Recessive and X-Linked Classification Criteria (2023). Collection method: clinical testing. Allele origin: unknown.
Comment: This variant is considered benign. This variant is a silent/synonymous amino acid change and it is not expected to impact splicing.

Labcorp Genetics (formerly Invitae), Labcorp
Classification: Likely benign for POLD1-related polyposis and colorectal cancer syndrome. Last evaluated: 2024-04-15. Review status: criteria provided, single submitter. Criteria: Invitae Variant Classification Sherloc (09022015). Collection method: clinical testing. Allele origin: germline.

Ambry Genetics
Classification: Likely benign for Hereditary cancer-predisposing syndrome. Last evaluated: 2021-08-13. Review status: criteria provided, single submitter. Criteria: Ambry Variant Classification Scheme 2023. Collection method: clinical testing. Allele origin: germline.